The following is an entry in ClinVar:

NM_001379451.1(BCORL1):c.1833G>A (p.Met611Ile)

Gene: BCORL1 (BCL6 corepressor like 1; plus strand). Cytogenetic location: Xq26.1.
Variant type: single nucleotide variant.
Coding change: c.1833G>A on transcript NM_001379451.1 (MANE Select); coding-DNA position 1833, G replaced by A.
Protein change: p.Met611Ile; replaces methionine 611 with isoleucine.
Molecular consequence: missense variant.
Genome position (GRCh38, 1-based): chrX:130,014,605, G>A. VCF-style: chrX-130014605-G-A. GRCh37 (hg19) VCF-style: chrX-129148581-G-A.
Other names: c.1833G>A, p.Met611Ile (NM_001184772.3, NM_001379450.1, NM_021946.5); short protein forms M611I.
Identifiers: ClinVar variation 1801966 (VCV001801966.1), dbSNP rs2522667324, ClinGen allele CA414586375.

ClinVar aggregate classification (germline): Uncertain significance (1 of 4 stars; one submission).

Submission:

GeneDx
Classification: Uncertain significance. Last evaluated: 2022-06-02. Review status: criteria provided, single submitter. Criteria: GeneDx Variant Classification Process June 2021. Collection method: clinical testing. Allele origin: germline. Affected: yes.
Comment: Not observed at significant frequency in large population cohorts (gnomAD); In silico analysis supports that this missense variant does not alter protein structure/function; Has not been previously published as pathogenic or benign to our knowledge